The following is an entry in ClinVar:

NM_020964.3(EPG5):c.2182C>T (p.His728Tyr)

Gene: EPG5 (ectopic P-granules 5 autophagy tethering factor; minus strand). Cytogenetic location: 18q21.1.
Variant type: single nucleotide variant.
Coding change: c.2182C>T on transcript NM_020964.3 (MANE Select); coding-DNA position 2182, C replaced by T.
Protein change: p.His728Tyr; replaces histidine 728 with tyrosine.
Molecular consequence: missense variant.
Genome position (GRCh38, 1-based): chr18:45,934,884, G>A on the plus strand (C>T on the coding strand, the complement: EPG5 is on the minus strand). VCF-style: chr18-45934884-G-A. GRCh37 (hg19) VCF-style: chr18-43514850-G-A.
Other names: short protein forms H728Y.
Identifiers: ClinVar variation 1433220 (VCV001433220.9), dbSNP rs2145845822, ClinGen allele CA402347670.
Genomic context (GRCh38, chr18:45,934,884, plus strand): 5'-TGCACTGGGCGGGCTGCAGGGAGGAGGAGAGCTGCTGCAGGTTCTCGCTCTCCACCTGGT[G>A]CATGAGGTAGAAGAGCTTCCACAGCATTTGCACAGACAGAGTCCCAAAGGGCATCTCGGA-3'
Protein context (NP_066015.2, residues 718-738): QMLWKLFYLM[His728Tyr]QVESENLQQL

ClinVar aggregate classification (germline): Uncertain significance (1 of 4 stars; one submission).

Conditions:
Vici syndrome (VICIS). Identifiers: Orphanet 1493, MedGen C1855772, MONDO:0009452, OMIM 242840.

Submission:

Labcorp Genetics (formerly Invitae), Labcorp
Classification: Uncertain significance for Vici syndrome. Last evaluated: 2021-05-10. Review status: criteria provided, single submitter. Criteria: Invitae Variant Classification Sherloc (09022015). Collection method: clinical testing. Allele origin: germline.
Comment: Algorithms developed to predict the effect of sequence changes on RNA splicing suggest that this variant may create or strengthen a splice site, but this prediction has not been confirmed by published transcriptional studies. In summary, the available evidence is currently insufficient to determine the role of this variant in disease. Therefore, it has been classified as a Variant of Uncertain Significance. Algorithms developed to predict the effect of missense changes on protein structure and function are either unavailable or do not agree on the potential impact of this missense change (SIFT: "Tolerated"; PolyPhen-2: "Possibly Damaging"; Align-GVGD: "Class C0"). This variant has not been reported in the literature in individuals with EPG5-related conditions. This variant is not present in population databases (ExAC no frequency). This sequence change replaces histidine with tyrosine at codon 728 of the EPG5 protein (p.His728Tyr). The histidine residue is moderately conserved and there is a moderate physicochemical difference between histidine and tyrosine.